The following is an entry in ClinVar:

ClinVar aggregate classification (germline): Uncertain significance (1 of 4 stars; one submission).

Conditions:
Cernunnos-XLF deficiency (IMD124). Also called: SCID, AUTOSOMAL RECESSIVE, T CELL-NEGATIVE, B CELL-NEGATIVE, NK CELL-POSITIVE, WITH MICROCEPHALY, GROWTH RETARDATION, AND SENSITIVITY TO IONIZING RADIATION; NHEJ1 SYNDROME; Severe combined immunodeficiency with sensitivity to ionizing radiation due to NHEJ1 deficiency; SCID, autosomal recessive, T cell-negative, B cell-negative, NK cell-positive, and sensitivity to ionizing radiation due to NHEJ1 deficiency; IMMUNODEFICIENCY 124, SEVERE COMBINED. Identifiers: Orphanet 169079, MedGen C1969799, MONDO:0012650, OMIM 611291.

gnomAD v4.1: 14 of 1,580,090 alleles (0.00089%); highest among the groups gnomAD compares: Non-Finnish European, 0.0012%; no homozygotes.

Submission:

Labcorp Genetics (formerly Invitae), Labcorp
Classification: Uncertain significance for Cernunnos-XLF deficiency. Last evaluated: 2022-05-15. Review status: criteria provided, single submitter. Criteria: Invitae Variant Classification Sherloc (09022015). Collection method: clinical testing. Allele origin: germline.
Comment: In summary, the available evidence is currently insufficient to determine the role of this variant in disease. Therefore, it has been classified as a Variant of Uncertain Significance. Algorithms developed to predict the effect of sequence changes on RNA splicing suggest that this variant may disrupt the consensus splice site. This variant has not been reported in the literature in individuals affected with NHEJ1-related conditions. This variant is present in population databases (no rsID available, gnomAD 0.01%). This sequence change falls in intron 6 of the NHEJ1 gene. It does not directly change the encoded amino acid sequence of the NHEJ1 protein.

NM_024782.3(NHEJ1):c.706+16G>T

Genes: NHEJ1 (non-homologous end joining factor 1; minus strand), LOC126806516 (BRD4-independent group 4 enhancer GRCh37_chr2:219941606-219942805; plus strand). Cytogenetic location: 2q35.
Variant type: single nucleotide variant.
Coding change: c.706+16G>T on transcript NM_024782.3 (MANE Select); 16 bases into the intron after coding-DNA position 706, G replaced by T.
Molecular consequence: intron variant. On other transcripts: splice donor variant (1).
Genome position (GRCh38, 1-based): chr2:219,078,073, C>A on the plus strand (G>T on the coding strand, the complement: NHEJ1 is on the minus strand). VCF-style: chr2-219078073-C-A. GRCh37 (hg19) VCF-style: chr2-219942795-C-A.
Other names: c.721+1G>T (NM_001377499.1); c.706+16G>T (NM_001377498.1).
Identifiers: ClinVar variation 2191471 (VCV002191471.4), dbSNP rs745329739, ClinGen allele CA350642415.
Genomic context (GRCh38, chr2:219,078,073, plus strand): 5'-AACTATCATATTGGACAGCATAAACCTAGATCCTAATTGTATCCTCACACAGACCGGGTA[C>A]CTCTGGAGGGCTCACCAGCGCCTTGATGCTTCTGTCCCACTTGGACCTCTTGTGTGGTGA-3'